The following is an entry in ClinVar:

ClinVar aggregate classification (germline): Pathogenic. Review status: criteria provided, multiple submitters, no conflicts (2 of 4 stars). 4 submissions from 4 submitters: Pathogenic (4). Last evaluated 2025-12-19.

Conditions:
Coffin-Siris syndrome 1 (CSS1). Also called: Mental retardation, autosomal dominant 12; ARID1B-Related Coffin-Siris Syndrome. Identifiers: Orphanet 1465, MedGen C3281201, MONDO:0007617, OMIM 135900. Disease mechanism: gain of function.

Submissions (4):

GeneDx
Classification: Pathogenic. Last evaluated: 2025-12-19. Review status: criteria provided, single submitter. Criteria: GeneDx Variant Classification Process June 2021. Collection method: clinical testing. Allele origin: germline. Affected: yes.
Comment: Nonsense variant predicted to result in protein truncation or nonsense mediated decay in a gene for which loss of function is a known mechanism of disease; Not observed at significant frequency in large population cohorts (gnomAD); This variant is associated with the following publications: (PMID: 34706719)

Labcorp Genetics (formerly Invitae), Labcorp
Classification: Pathogenic. Last evaluated: 2022-06-25. Review status: criteria provided, single submitter. Criteria: Invitae Variant Classification Sherloc (09022015). Collection method: clinical testing. Allele origin: germline.
Comment: For these reasons, this variant has been classified as Pathogenic. ClinVar contains an entry for this variant (Variation ID: 1320109). This variant has not been reported in the literature in individuals affected with ARID1B-related conditions. This variant is not present in population databases (gnomAD no frequency). This sequence change creates a premature translational stop signal (p.Tyr437*) in the ARID1B gene. It is expected to result in an absent or disrupted protein product. Loss-of-function variants in ARID1B are known to be pathogenic (PMID: 25674384, 30349098).

3billion
Classification: Pathogenic for Coffin-Siris syndrome 1. Last evaluated: 2021-10-02. Review status: criteria provided, single submitter. Criteria: ACMG Guidelines, 2015. Collection method: clinical testing. Allele origin: germline. Affected: yes. Observed: 1 heterozygote.
Comment: Stop-gained (nonsense): predicted to result in a loss or disruption of normal protein function through nonsense-mediated decay (NMD) or protein truncation. Multiple pathogenic variants are reported downstream of the variant (PVS1_VS). The variant was observed as assumed (i.e. paternity and maternity not confirmed) de novoo (3billion dataset, PM6). It is not observed in the gnomAD v2.1.1 dataset (PM2). Therefore, this variant is classified as pathogenic according to the recommendation of ACMG/AMP guideline.

Victorian Clinical Genetics Services, Murdoch Childrens Research Institute
Classification: Pathogenic for Coffin-Siris syndrome 1. Last evaluated: 2021-05-06. Review status: criteria provided, single submitter. Criteria: ACMG Guidelines, 2015. Collection method: clinical testing. Allele origin: germline. Inheritance: Autosomal dominant inheritance. Affected: yes.
Comment: Based on the classification scheme VCGS_Germline_v1.3.3, this variant is classified as Pathogenic. Following criteria are met: 0102 - Loss of function is a known mechanism of disease in this gene and is associated with Coffin-Siris syndrome 1 (MIM#135900). (I) 0107 - This gene is associated with autosomal dominant disease. (I) 0201 - Variant is predicted to cause nonsense-mediated decay (NMD) and loss of protein (premature termination codon is located at least 54 nucleotides upstream of the final exon-exon junction). (SP) 0251 - This variant is heterozygous. (I) 0301 - Variant is absent from gnomAD (both v2 and v3). (SP) 0701 - Other NMD-predicted variants comparable to the one identified in this case have very strong previous evidence for pathogenicity. Many other loss of function variants have previously been reported as pathogenic in individuals with Coffin-Siris syndrome 1 (MIM#135900) (ClinVar). (SP) 0807 - This variant has no previous evidence of pathogenicity. (I) 0905 - No published segregation evidence has been identified for this variant. (I) 1007 - No published functional evidence has been identified for this variant. (SP) Legend: (SP) - Supporting pathogenic, (I) - Information, (SB) - Supporting benign

Literature cited by the submitters: PubMed 25674384 (cited by Labcorp Genetics (formerly Invitae), Labcorp); PubMed 30349098 (cited by Labcorp Genetics (formerly Invitae), Labcorp).

NM_001374828.1(ARID1B):c.1560C>G (p.Tyr520Ter)

Gene: ARID1B (AT-rich interaction domain 1B; plus strand). Cytogenetic location: 6q25.3.
Variant type: single nucleotide variant.
Coding change: c.1560C>G on transcript NM_001374828.1 (MANE Select); coding-DNA position 1560, C replaced by G.
Protein change: p.Tyr520Ter; replaces tyrosine 520 with a stop codon.
Molecular consequence: nonsense.
Genome position (GRCh38, 1-based): chr6:156,779,240, C>G. VCF-style: chr6-156779240-C-G. GRCh37 (hg19) VCF-style: chr6-157100374-C-G.
Other names: c.1560C>G, p.Tyr520Ter (NM_001371656.1, NM_001374820.1, NM_017519.3); c.1311C>G (NM_001346813.1, NM_020732.3); short protein forms Y520*.
Identifiers: ClinVar variation 1320109 (VCV001320109.10), dbSNP rs2114999746, ClinGen allele CA366384892.